The following is an entry in ClinVar:

NM_002354.3(EPCAM):c.565A>C (p.Asn189His)

Gene: EPCAM (epithelial cell adhesion molecule; plus strand). Cytogenetic location: 2p21.
Variant type: single nucleotide variant.
Coding change: c.565A>C on transcript NM_002354.3 (MANE Select); coding-DNA position 565, A replaced by C.
Protein change: p.Asn189His; replaces asparagine 189 with histidine.
Molecular consequence: missense variant.
Genome position (GRCh38, 1-based): chr2:47,378,962, A>C. VCF-style: chr2-47378962-A-C. GRCh37 (hg19) VCF-style: chr2-47606101-A-C.
Other names: short protein forms N189H.
Identifiers: ClinVar variation 1748903 (VCV001748903.2), dbSNP rs2103756990, ClinGen allele CA346724106.

ClinVar aggregate classification (germline): Uncertain significance (1 of 4 stars; one submission).

Conditions:
Hereditary cancer-predisposing syndrome. Also called: Hereditary Cancer Syndrome; Hereditary neoplastic syndrome; Neoplastic Syndromes, Hereditary; Tumor predisposition. Identifiers: Orphanet 140162, MedGen C0027672, MeSH D009386, MONDO:0015356.

Submission:

Ambry Genetics
Classification: Uncertain significance for Hereditary cancer-predisposing syndrome. Last evaluated: 2022-03-14. Review status: criteria provided, single submitter. Criteria: Ambry Variant Classification Scheme 2023. Collection method: clinical testing. Allele origin: germline.
Comment: The p.N189H variant (also known as c.565A>C), located in coding exon 6 of the EPCAM gene, results from an A to C substitution at nucleotide position 565. The asparagine at codon 189 is replaced by histidine, an amino acid with similar properties. This amino acid position is conserved. In addition, this alteration is predicted to be tolerated by in silico analysis. Since supporting evidence is limited at this time, the clinical significance of this alteration remains unclear.